The following is an entry in ClinVar:

ClinVar aggregate classification (germline): Uncertain significance. Review status: criteria provided, multiple submitters, no conflicts (2 of 4 stars). 2 submissions from 2 submitters: Uncertain significance (2). Last evaluated 2025-11-08.

Allele frequency attached by ClinVar (database versions not stated): TOPMed 0.00002; gnomAD 0.00003; gnomAD exomes 0.00003; ExAC 0.00004; ESP Exome Variant Server 0.00008.

Submissions (2):

Labcorp Genetics (formerly Invitae), Labcorp
Classification: Uncertain significance. Last evaluated: 2025-11-08. Review status: criteria provided, single submitter. Criteria: Invitae Variant Classification Sherloc (09022015). Collection method: clinical testing. Allele origin: germline.
Comment: This sequence change creates a premature translational stop signal (p.Arg289*) in the RGR gene. While this is not anticipated to result in nonsense mediated decay, it is expected to disrupt the last 3 amino acid(s) of the RGR protein. This variant is present in population databases (rs371549612, gnomAD 0.01%). This premature translational stop signal has been observed in individual(s) with clinical features of RGR-related conditions (PMID: 30902645). ClinVar contains an entry for this variant (Variation ID: 1524832). Experimental studies and prediction algorithms are not available or were not evaluated, and the functional significance of this variant is currently unknown. In summary, the available evidence is currently insufficient to determine the role of this variant in disease. Therefore, it has been classified as a Variant of Uncertain Significance.

Blueprint Genetics
Classification: Uncertain significance. Last evaluated: 2021-12-28. Review status: criteria provided, single submitter. Criteria: ACMG Guidelines, 2015. Collection method: clinical testing. Allele origin: germline.

Literature cited by the submitters: PubMed 30902645 (cited by Labcorp Genetics (formerly Invitae), Labcorp).

NM_001012720.2(RGR):c.865C>T (p.Arg289Ter)

Gene: RGR (retinal G protein coupled receptor; plus strand). Cytogenetic location: 10q23.1.
Variant type: single nucleotide variant.
Coding change: c.865C>T on transcript NM_001012720.2 (MANE Select); coding-DNA position 865, C replaced by T.
Protein change: p.Arg289Ter; replaces arginine 289 with a stop codon.
Molecular consequence: nonsense.
Genome position (GRCh38, 1-based): chr10:84,258,628, C>T. VCF-style: chr10-84258628-C-T. GRCh37 (hg19) VCF-style: chr10-86018384-C-T.
Other names: c.751C>T, p.Arg251Ter (NM_001012722.2); c.877C>T, p.Arg293Ter (NM_002921.4); short protein forms R251*, R289*, R293*.
Identifiers: ClinVar variation 1524832 (VCV001524832.7), dbSNP rs371549612, ClinGen allele CA5581607.
Genomic context (GRCh38, chr10:84,258,628, plus strand): 5'-AATGAGATGGTCTGCAGGGGAATCTGGCAGTGCCTCTCACCGCAGAAGAGGGAGAAGGAC[C>T]GAACCAAGTGAGCCTGCCACCCTGGAGTGAGCCCCAGGCCAGGAGGCTGTTCCAGGAGTC-3'